The following is an entry in ClinVar:

ClinVar aggregate classification (germline): Conflicting classifications of pathogenicity. Review status: criteria provided, conflicting classifications (1 of 4 stars). 8 submissions from 8 submitters: Uncertain significance (6); Likely benign (1). 1 of the submissions does not count toward it. Last evaluated 2026-01-26.

Conditions:
Breast-ovarian cancer, familial, susceptibility to, 3. Also called: RAD51C-Related Breast/Ovarian Cancer. Identifiers: Orphanet 145, MedGen C3150659, MONDO:0013253, OMIM 613399.
Fanconi anemia complementation group O. Also called: RAD51C-Related Fanconi Anemia. Identifiers: Orphanet 84, MedGen C3150653, MONDO:0013248, OMIM 613390.
Malignant tumor of breast. Also called: Malignant breast neoplasm; Cancer breast. Identifiers: MedGen C0006142, MONDO:0007254. Disease mechanism: loss of function.
Hereditary cancer-predisposing syndrome. Also called: Tumor predisposition; Hereditary neoplastic syndrome; Neoplastic Syndromes, Hereditary; Hereditary Cancer Syndrome. Identifiers: Orphanet 140162, MedGen C0027672, MeSH D009386, MONDO:0015356.

Allele frequency attached by ClinVar (database versions not stated): gnomAD exomes 0.00001; TOPMed below 0.00001; ExAC 0.00002.
gnomAD v4.1: 8 of 1,608,746 alleles (0.0005%); highest among the groups gnomAD compares: East Asian, 0.0022%; no homozygotes.

Submissions (8):

Labcorp Genetics (formerly Invitae), Labcorp
Classification: Uncertain significance for Fanconi anemia complementation group O. Last evaluated: 2026-01-26. Review status: criteria provided, single submitter. Criteria: Invitae Variant Classification Sherloc (09022015). Collection method: clinical testing. Allele origin: germline.
Comment: This sequence change replaces arginine, which is basic and polar, with histidine, which is basic and polar, at codon 214 of the RAD51C protein (p.Arg214His). This variant is present in population databases (rs760911964, gnomAD 0.006%). This missense change has been observed in individual(s) with clinical features of RAD51C-related conditions (PMID: 26057125). ClinVar contains an entry for this variant (Variation ID: 484729). Invitae Evidence Modeling of protein sequence and biophysical properties (such as structural, functional, and spatial information, amino acid conservation, physicochemical variation, residue mobility, and thermodynamic stability) indicates that this missense variant is not expected to disrupt RAD51C protein function with a negative predictive value of 80%. In summary, the available evidence is currently insufficient to determine the role of this variant in disease. Therefore, it has been classified as a Variant of Uncertain Significance.

Dasa
Classification: Uncertain significance. Last evaluated: 2025-12-05. Review status: criteria provided, single submitter. Criteria: DASA Assertion Criteria. Collection method: clinical testing. Allele origin: germline.
Comment: NM_058216.3(RAD51C):c.641G>A (p.Arg214His) is a missense variant that results in the substitution of arginine with histidine. This variant is rare in population databases. Computational prediction algorithms are consistent with a benign effect. The currently available literature and clinical evidence are not sufficient to establish a definitive association between this variant and the reported condition. Therefore, this variant is classified as a variant of uncertain significance.

Color Diagnostics, LLC DBA Color Health
Classification: Uncertain significance for Hereditary cancer-predisposing syndrome. Last evaluated: 2024-08-19. Review status: criteria provided, single submitter. Criteria: ACMG Guidelines, 2015. Collection method: clinical testing. Allele origin: germline.
Comment: This missense variant replaces arginine with histidine at codon 214 of the RAD51C protein. Computational prediction suggests that this variant may not impact protein structure and function. To our knowledge, functional studies have not been reported for this variant. This variant has been reported in an individual affected with ovarian cancer and colon cancer (PMID: 26057125). This variant has been identified in 2/251240 chromosomes in the general population by the Genome Aggregation Database (gnomAD). The available evidence is insufficient to determine the role of this variant in disease conclusively. Therefore, this variant is classified as a Variant of Uncertain Significance.

KCCC/NGS Laboratory, Kuwait Cancer Control Center
Classification: Uncertain significance for Breast-ovarian cancer, familial, susceptibility to, 3. Last evaluated: 2024-05-14. Review status: criteria provided, single submitter. Criteria: ACMG Guidelines, 2015. Collection method: clinical testing. Allele origin: germline. Inheritance: Autosomal dominant inheritance. Affected: yes. Observed: 1 heterozygote.
Comment: This sequence change replaces arginine, which is basic and polar, with histidine, which is basic and polar, at codon 214 of the RAD51C protein (p.Arg214His). This amino acid position is not well conserved (PhyloP=1.01). This variant is present in population databases (rs760911964, gnomAD 0.006%). This missense change has been observed in individual(s) with clinical features of RAD51C-related conditions (PMID: 26057125). ClinVar contains an entry for this variant (Variation ID: 484729). In silico analysis, which includes protein predictors and evolutionary conservation, supports that this variant does not alter protein structure/function. In summary, the available evidence is currently insufficient to determine the role of this variant in disease. Therefore, it has been classified as a Variant of Uncertain Significance.

Baylor Genetics
Classification: Uncertain significance for Breast-ovarian cancer, familial, susceptibility to, 3. Last evaluated: 2023-11-22. Review status: criteria provided, single submitter. Criteria: ACMG Guidelines, 2015. Collection method: clinical testing. Allele origin: unknown.

GeneDx
Classification: Uncertain significance. Last evaluated: 2019-10-16. Review status: criteria provided, single submitter. Criteria: GeneDx Variant Classification Process June 2021. Collection method: clinical testing. Allele origin: germline. Affected: yes.
Comment: Not observed at a significant frequency in large population cohorts (Lek 2016); In silico analysis, which includes protein predictors and evolutionary conservation, supports that this variant does not alter protein structure/function; Observed in individuals with a personal or family history including ovarian and colon cancer (Janatova 2015); This variant is associated with the following publications: (PMID: 26057125)

Ambry Genetics
Classification: Likely benign for Hereditary cancer-predisposing syndrome. Last evaluated: 2016-11-22. Review status: criteria provided, single submitter. Criteria: Ambry Variant Classification Scheme 2023. Collection method: clinical testing. Allele origin: germline.

Department of Pathology and Laboratory Medicine, Sinai Health System
Classification: Uncertain significance for Malignant tumor of breast. Review status: no assertion criteria provided. Collection method: clinical testing. Allele origin: unknown. Affected: yes. Observed: 1 variant allele. Study: The Canadian Open Genetics Repository (COGR). Not counted in ClinVar's aggregate classification.
Comment: The RAD51C p.Arg214His variant was identified in 1 of 342 proband chromosomes (frequency: 0.003) from individuals or families with colon cancer and was not identified in 2452 control chromosomes from healthy individuals (Janatova 2015). The variant was also identified in dbSNP (ID: rs760911964 as "With Uncertain significance allele") and ClinVar (1x as likely benign by Ambry Genetics and 1x as uncertain significance by Invitae). The variant was not identified in Cosmic, MutDB, or LOVD 3.0 databases. The variant was identified in control databases in 2 of 246014 chromosomes at a frequency of 0.000008 (Genome Aggregation Database Feb 27, 2017). The variant was observed in the South Asian population in 2 of 30778 chromosomes (freq: 0.00007), but not in the African, Other, Latino, European, Ashkenazi Jewish, East Asian, or Finnish populations. The p.Arg214 residue is not conserved in mammals and 5 of 5 computational analyses (PolyPhen-2, SIFT, AlignGVGD, BLOSUM, MutationTaster) do not suggest a high likelihood of impact to the protein; however, this information is not predictive enough to rule out pathogenicity. The variant occurs outside of the splicing consensus sequence and 5 of 5 in silico or computational prediction software programs (SpliceSiteFinder, MaxEntScan, NNSPLICE, GeneSplicer, HumanSpliceFinder) do not predict a difference in splicing. In summary, based on the above information the clinical significance of this variant cannot be determined with certainty at this time. This variant is classified as a variant of uncertain significance.

Literature cited by the submitters: PubMed 26057125 (cited by 3 submitters).

NM_058216.3(RAD51C):c.641G>A (p.Arg214His)

Genes: RAD51C (RAD51 paralog C; plus strand), LOC129390903 (MPRA-validated peak2919 silencer; plus strand). Cytogenetic location: 17q22.
Variant type: single nucleotide variant.
Coding change: c.641G>A on transcript NM_058216.3 (MANE Select); coding-DNA position 641, G replaced by A.
Protein change: p.Arg214His; replaces arginine 214 with histidine.
Molecular consequence: missense variant. On other transcripts: non-coding transcript variant (1).
Genome position (GRCh38, 1-based): chr17:58,703,265, G>A. VCF-style: chr17-58703265-G-A. GRCh37 (hg19) VCF-style: chr17-56780626-G-A.
Other names: short protein forms R214H.
Identifiers: ClinVar variation 484729 (VCV000484729.31), dbSNP rs760911964, ClinGen allele CA8677286.
Genomic context (GRCh38, chr17:58,703,265, plus strand): 5'-AAGCTTTGGAGGATTTCACTCTTGATAATATTCTTTCTCATATTTATTATTTTCGCTGTC[G>A]TGACTACACAGAGTTACTGGCACAAGTTTATCTTCTTCCAGATTTCCTTTCAGAACACTC-3'
Protein context (NP_478123.1, residues 204-224): ILSHIYYFRC[Arg214His]DYTELLAQVY